The following is an entry in ClinVar:

NM_001130698.2(TRPC3):c.2545C>A (p.Gln849Lys)

Gene: TRPC3 (transient receptor potential cation channel subfamily C member 3; minus strand). Cytogenetic location: 4q27.
Variant type: single nucleotide variant.
Coding change: c.2545C>A on transcript NM_001130698.2 (MANE Select); coding-DNA position 2545, C replaced by A.
Protein change: p.Gln849Lys; replaces glutamine 849 with lysine.
Molecular consequence: missense variant. On other transcripts: intron variant (1).
Genome position (GRCh38, 1-based): chr4:121,899,614, G>T on the plus strand (C>A on the coding strand, the complement: TRPC3 is on the minus strand). VCF-style: chr4-121899614-G-T. GRCh37 (hg19) VCF-style: chr4-122820769-G-T.
Other names: c.2326C>A, p.Gln776Lys (NM_003305.2); c.2463+3238C>A (NM_001366479.2); short protein forms Q776K, Q849K.
Identifiers: ClinVar variation 3242189 (VCV003242189.1), dbSNP rs576172174.

ClinVar aggregate classification (germline): Uncertain significance (1 of 4 stars; one submission).

Conditions:
Spinocerebellar ataxia type 41. Identifiers: Orphanet 458798, MedGen C4225158, MONDO:0014626, OMIM 616410.

Allele frequency attached by ClinVar (database versions not stated): gnomAD exomes below 0.00001; ExAC 0.00002; 1000 Genomes Project 30x 0.00016; 1000 Genomes Project 0.00020.
gnomAD v4.1: 5 of 1,612,624 alleles (0.00031%); highest among the groups gnomAD compares: South Asian, 0.0055%; no homozygotes.

Submission:

Neuberg Centre For Genomic Medicine, NCGM
Classification: Uncertain significance for Spinocerebellar ataxia type 41. Review status: criteria provided, single submitter. Criteria: ACMG Guidelines, 2015. Collection method: clinical testing. Allele origin: germline. Inheritance: Autosomal dominant inheritance. Affected: yes.
Comment: The missense variant c.2545C>A (p.Gln849Lys) in TRPC3 gene has not been reported previously as a pathogenic variant nor as a benign variant, to our knowledge. This variant is reported with the allele frequency (0.001%) in the gnomAD Exomes. The amino acid Glutamine at position 849 is changed to a Lysine changing protein sequence and it might alter its composition and physico-chemical properties. The amino acid change p.Gln849Lys in TRPC3 is predicted as conserved by GERP++ and PhyloP across 100 vertebrates. For these reasons, this variant has been classified as Uncertain Significance.